The following is an entry in ClinVar:

NM_004006.3(DMD):c.3136C>T (p.Gln1046Ter)

Gene: DMD (dystrophin; minus strand). Cytogenetic location: Xp21.1.
Variant type: single nucleotide variant.
Coding change: c.3136C>T on transcript NM_004006.3 (MANE Select); coding-DNA position 3136, C replaced by T.
Protein change: p.Gln1046Ter; replaces glutamine 1046 with a stop codon.
Molecular consequence: nonsense.
Genome position (GRCh38, 1-based): chrX:32,468,524, G>A on the plus strand (C>T on the coding strand, the complement: DMD is on the minus strand). VCF-style: chrX-32468524-G-A. GRCh37 (hg19) VCF-style: chrX-32486641-G-A.
Other names: c.3112C>T, p.Gln1038Ter (NM_000109.4); c.3124C>T, p.Gln1042Ter (NM_004009.3); c.2767C>T, p.Gln923Ter (NM_004010.3); short protein forms Q1038*, Q1042*, Q1046*, Q923*.
Identifiers: ClinVar variation 1322363 (VCV001322363.6), dbSNP rs2148459016, ClinGen allele CA412666790.

ClinVar aggregate classification (germline): Pathogenic (1 of 4 stars; one submission).

Conditions:
Duchenne muscular dystrophy (DMD). Also called: MUSCULAR DYSTROPHY, PSEUDOHYPERTROPHIC PROGRESSIVE, DUCHENNE TYPE; Duchenne Muscular Dystrophy (DMD). Identifiers: Orphanet 98896, MedGen C0013264, MONDO:0010679, OMIM 310200.

Submission:

Labcorp Genetics (formerly Invitae), Labcorp
Classification: Pathogenic for Duchenne muscular dystrophy. Last evaluated: 2022-03-26. Review status: criteria provided, single submitter. Criteria: Invitae Variant Classification Sherloc (09022015). Collection method: clinical testing. Allele origin: germline.
Comment: For these reasons, this variant has been classified as Pathogenic. ClinVar contains an entry for this variant (Variation ID: 1322363). This premature translational stop signal has been observed in individual(s) with DMD-related muscular dystrophy (PMID: 19937601, 26968818). This variant is not present in population databases (gnomAD no frequency). This sequence change creates a premature translational stop signal (p.Gln1046*) in the DMD gene. It is expected to result in an absent or disrupted protein product. Loss-of-function variants in DMD are known to be pathogenic (PMID: 16770791, 25007885).

Literature cited by the submitters: PubMed 19937601; PubMed 26968818; PubMed 16770791; PubMed 25007885.